The following is an entry in ClinVar:

NC_000001.10:g.(?_110603355)_(111147404_?)del

Genes: ALX3 (ALX homeobox 3; minus strand), KCNA10 (potassium voltage-gated channel subfamily A member 10; minus strand), KCNA2 (potassium voltage-gated channel subfamily A member 2; minus strand), KCNC4 (potassium voltage-gated channel subfamily C member 4; plus strand), LAMTOR5 (late endosomal/lysosomal adaptor, MAPK and MTOR activator 5; minus strand) and 5 more. Cytogenetic location: 1p13.3.
Variant type: Deletion.
Identifiers: ClinVar variation 1459387 (VCV001459387.8).

ClinVar aggregate classification (germline): Pathogenic (1 of 4 stars; one submission).

Conditions:
Developmental and epileptic encephalopathy, 32 (DEE32). Also called: Epileptic encephalopathy, early infantile, 32. Identifiers: Orphanet 442835, MedGen C4225350, MONDO:0014607, OMIM 616366.

Submission:

Labcorp Genetics (formerly Invitae), Labcorp
Classification: Pathogenic for Developmental and epileptic encephalopathy, 32. Last evaluated: 2022-09-07. Review status: criteria provided, single submitter. Criteria: Invitae Variant Classification Sherloc (09022015). Collection method: clinical testing. Allele origin: germline.
Comment: A gross deletion of the genomic region encompassing the full coding sequence of the KCNA2 gene has been identified. Loss-of-function variants in KCNA2 are known to be pathogenic (PMID: 17634333, 27457812). The boundaries of this event are unknown as they extend beyond the assayed region for this gene and therefore may encompass additional genes. Isolated whole-gene deletions of KCNA2 have not been reported in the literature. However, larger copy number events that include this gene have been reported (PMID: 25950944, 33802230). For these reasons, this variant has been classified as Pathogenic.

Literature cited by the submitters: PubMed 17634333; PubMed 27457812; PubMed 25950944; PubMed 33802230.